The following is an entry in ClinVar:

NM_031220.4(PITPNM3):c.145A>G (p.Ile49Val)

Gene: PITPNM3 (PITPNM family member 3; minus strand). Cytogenetic location: 17p13.1.
Variant type: single nucleotide variant.
Coding change: c.145A>G on transcript NM_031220.4 (MANE Select); coding-DNA position 145, A replaced by G.
Protein change: p.Ile49Val; replaces isoleucine 49 with valine.
Molecular consequence: missense variant. On other transcripts: intron variant (1).
Genome position (GRCh38, 1-based): chr17:6,525,437, T>C on the plus strand (A>G on the coding strand, the complement: PITPNM3 is on the minus strand). VCF-style: chr17-6525437-T-C. GRCh37 (hg19) VCF-style: chr17-6428757-T-C.
Other names: c.118+12550A>G (NM_001165966.2); c.145A>G (NM_031220.3); short protein forms I49V.
Identifiers: ClinVar variation 1004419 (VCV001004419.9), dbSNP rs554054119, ClinGen allele CA8329936.

ClinVar aggregate classification (germline): Uncertain significance. Review status: criteria provided, multiple submitters, no conflicts (2 of 4 stars). 2 submissions from 2 submitters: Uncertain significance (2). Last evaluated 2025-05-06.

Allele frequency attached by ClinVar (database versions not stated): ExAC 0.00001; gnomAD exomes 0.00002; TOPMed 0.00003; gnomAD 0.00004.
gnomAD v4.1: 42 of 1,614,096 alleles (0.0026%); highest among the groups gnomAD compares: Admixed American, 0.0067%; no homozygotes.

Submissions (2):

Ambry Genetics
Classification: Uncertain significance. Last evaluated: 2025-05-06. Review status: criteria provided, single submitter. Criteria: Ambry Variant Classification Scheme 2023. Collection method: clinical testing. Allele origin: germline.

Labcorp Genetics (formerly Invitae), Labcorp
Classification: Uncertain significance. Last evaluated: 2024-02-17. Review status: criteria provided, single submitter. Criteria: Invitae Variant Classification Sherloc (09022015). Collection method: clinical testing. Allele origin: germline.
Comment: This sequence change replaces isoleucine, which is neutral and non-polar, with valine, which is neutral and non-polar, at codon 49 of the PITPNM3 protein (p.Ile49Val). This variant is present in population databases (rs554054119, gnomAD 0.006%). This variant has not been reported in the literature in individuals affected with PITPNM3-related conditions. ClinVar contains an entry for this variant (Variation ID: 1004419). An algorithm developed to predict the effect of missense changes on protein structure and function (PolyPhen-2) suggests that this variant is likely to be tolerated. In summary, the available evidence is currently insufficient to determine the role of this variant in disease. Therefore, it has been classified as a Variant of Uncertain Significance.